The following is an entry in ClinVar:

NM_007194.4(CHEK2):c.1063del (p.Leu355fs)

Gene: CHEK2 (checkpoint kinase 2; minus strand). Cytogenetic location: 22q12.1.
Variant type: Deletion.
Coding change: c.1063del on transcript NM_007194.4 (MANE Select); coding-DNA position 1063, one base deleted (C; older notation c.1063delC).
Protein change: p.Leu355fs; shifts the reading frame from leucine 355.
Molecular consequence: frameshift variant. On other transcripts: intron variant (3).
Genome position (GRCh38, 1-based): chr22:28,696,933, G deleted on the plus strand (C on the coding strand, the reverse complement: CHEK2 is on the minus strand). VCF-style (leftmost placement, unchanged base first): chr22-28696932-AG-A. GRCh37 (hg19) VCF-style: chr22-29092920-AG-A.
Other names: c.1192del, p.Leu398fs (NM_001005735.3); c.400del, p.Leu134fs (NM_001257387.3, NM_001437942.1); c.862del, p.Leu288fs (NM_001349956.3); c.1156del, p.Leu386fs (NM_001438293.1); c.1009-1060del (NM_145862.3); c.1102-1060del (NM_001438295.1); c.1138-1060del (NM_001438294.1); short protein forms L288fs, L398fs, L134fs, L355fs, L386fs.
Identifiers: ClinVar variation 530171 (VCV000530171.10), dbSNP rs1555914279, ClinGen allele CA658799507.

ClinVar aggregate classification (germline): Pathogenic. Review status: criteria provided, multiple submitters, no conflicts (2 of 4 stars). 3 submissions from 3 submitters: Pathogenic (3). Last evaluated 2023-06-27.

Conditions:
Familial cancer of breast. Also called: BREAST CANCER, FAMILIAL; Hereditary breast cancer; hereditary breast carcinoma. Identifiers: Orphanet 227535, MedGen C0346153, MONDO:0016419, OMIM 114480. Disease mechanism: loss of function.

Submissions (3):

Myriad Genetics, Inc.
Classification: Pathogenic for Familial cancer of breast. Last evaluated: 2023-06-27. Review status: criteria provided, single submitter. Criteria: Myriad Autosomal Dominant, Autosomal Recessive and X-Linked Classification Criteria (2023). Collection method: clinical testing. Allele origin: unknown.
Comment: This variant is considered pathogenic. This variant creates a frameshift predicted to result in premature protein truncation.

Baylor Genetics
Classification: Pathogenic for Familial cancer of breast. Last evaluated: 2022-08-03. Review status: criteria provided, single submitter. Criteria: ACMG Guidelines, 2015. Collection method: clinical testing. Allele origin: unknown.

Labcorp Genetics (formerly Invitae), Labcorp
Classification: Pathogenic for Familial cancer of breast. Last evaluated: 2022-03-08. Review status: criteria provided, single submitter. Criteria: Invitae Variant Classification Sherloc (09022015). Collection method: clinical testing. Allele origin: germline.
Comment: For these reasons, this variant has been classified as Pathogenic. ClinVar contains an entry for this variant (Variation ID: 530171). This premature translational stop signal has been observed in individual(s) with breast cancer (PMID: 28724667). This variant is not present in population databases (gnomAD no frequency). This sequence change creates a premature translational stop signal (p.Leu355Cysfs*10) in the CHEK2 gene. It is expected to result in an absent or disrupted protein product. Loss-of-function variants in CHEK2 are known to be pathogenic (PMID: 21876083, 24713400).

Literature cited by the submitters: PubMed 28724667 (cited by Labcorp Genetics (formerly Invitae), Labcorp); PubMed 21876083 (cited by Labcorp Genetics (formerly Invitae), Labcorp); PubMed 24713400 (cited by Labcorp Genetics (formerly Invitae), Labcorp).